The following is an entry in ClinVar:

NM_001184.4(ATR):c.7669T>C (p.Phe2557Leu)

Gene: ATR (ATR checkpoint kinase; minus strand). Cytogenetic location: 3q23.
Variant type: single nucleotide variant.
Coding change: c.7669T>C on transcript NM_001184.4 (MANE Select); coding-DNA position 7669, T replaced by C.
Protein change: p.Phe2557Leu; replaces phenylalanine 2557 with leucine.
Molecular consequence: missense variant.
Genome position (GRCh38, 1-based): chr3:142,453,220, A>G on the plus strand (T>C on the coding strand, the complement: ATR is on the minus strand). VCF-style: chr3-142453220-A-G. GRCh37 (hg19) VCF-style: chr3-142172062-A-G.
Other names: c.7477T>C, p.Phe2493Leu (NM_001354579.2); short protein forms F2493L, F2557L.
Identifiers: ClinVar variation 1760049 (VCV001760049.2), dbSNP rs2473023480, ClinGen allele CA354794218.

ClinVar aggregate classification (germline): Uncertain significance (1 of 4 stars; one submission).

Conditions:
Inborn genetic diseases. Identifiers: MedGen C0950123, MeSH D030342.

Submission:

Ambry Genetics
Classification: Uncertain significance for Inborn genetic diseases. Last evaluated: 2021-09-20. Review status: criteria provided, single submitter. Criteria: Ambry Variant Classification Scheme 2023. Collection method: clinical testing. Allele origin: germline.
Comment: The p.F2557L variant (also known as c.7669T>C), located in coding exon 46 of the ATR gene, results from a T to C substitution at nucleotide position 7669. The phenylalanine at codon 2557 is replaced by leucine, an amino acid with highly similar properties. This amino acid position is conserved. In addition, this alteration is predicted to be deleterious by in silico analysis. Since supporting evidence is limited at this time, the clinical significance of this alteration remains unclear.